The following is an entry in ClinVar:

ClinVar aggregate classification (germline): Conflicting classifications of pathogenicity. Review status: criteria provided, conflicting classifications (1 of 4 stars). 3 submissions from 3 submitters: Uncertain significance (1); Likely benign (1). 1 of the submissions does not count toward it. Last evaluated 2025-03-07.

Conditions:
Congenital disorder of glycosylation type Ir (CDG1R). Also called: DDOST-congenital disorder of glycosylation. Identifiers: Orphanet 300536, MedGen C3281084, MONDO:0013789, OMIM 614507.
DDOST-related disorder. Also called: DDOST-related condition.

Allele frequency attached by ClinVar (database versions not stated): gnomAD 0.00005; gnomAD exomes 0.00006; TOPMed 0.00006; ExAC 0.00007; ESP Exome Variant Server 0.00023.
gnomAD v4.1: 86 of 1,612,224 alleles (0.0053%); highest among the groups gnomAD compares: Non-Finnish European, 0.007%; no homozygotes.

Submissions (3):

Labcorp Genetics (formerly Invitae), Labcorp
Classification: Uncertain significance for Congenital disorder of glycosylation type Ir. Last evaluated: 2025-03-07. Review status: criteria provided, single submitter. Criteria: Invitae Variant Classification Sherloc (09022015). Collection method: clinical testing. Allele origin: germline.
Comment: This sequence change affects codon 282 of the DDOST mRNA. It is a 'silent' change, meaning that it does not change the encoded amino acid sequence of the DDOST protein. It affects a nucleotide within the consensus splice site. This variant is present in population databases (rs201962457, gnomAD 0.01%). This variant has not been reported in the literature in individuals affected with DDOST-related conditions. ClinVar contains an entry for this variant (Variation ID: 2161338). Algorithms developed to predict the effect of sequence changes on RNA splicing suggest that this variant is not likely to affect RNA splicing. In summary, the available evidence is currently insufficient to determine the role of this variant in disease. Therefore, it has been classified as a Variant of Uncertain Significance.

Ambry Genetics
Classification: Likely benign. Last evaluated: 2025-01-24. Review status: criteria provided, single submitter. Criteria: Ambry Variant Classification Scheme 2023. Collection method: clinical testing. Allele origin: germline.

PreventionGenetics, part of Exact Sciences
Classification: Likely benign for DDOST-related condition. Last evaluated: 2020-05-04. Review status: no assertion criteria provided. Collection method: clinical testing. Allele origin: germline. Not counted in ClinVar's aggregate classification.
Comment: This variant is classified as likely benign based on ACMG/AMP sequence variant interpretation guidelines (Richards et al. 2015 PMID: 25741868, with internal and published modifications).

NM_005216.5(DDOST):c.795G>A (p.Arg265=)

Gene: DDOST (dolichyl-diphosphooligosaccharide--protein glycosyltransferase non-catalytic subunit; minus strand). Cytogenetic location: 1p36.12.
Variant type: single nucleotide variant.
Coding change: c.795G>A on transcript NM_005216.5 (MANE Select); coding-DNA position 795, G replaced by A.
Protein change: p.Arg265=; no amino-acid change (arginine 265 retained).
Molecular consequence: synonymous variant.
Genome position (GRCh38, 1-based): chr1:20,653,774, C>T on the plus strand (G>A on the coding strand, the complement: DDOST is on the minus strand). VCF-style: chr1-20653774-C-T. GRCh37 (hg19) VCF-style: chr1-20980267-C-T.
Other names: c.846G>A (NM_005216.4).
Identifiers: ClinVar variation 2161338 (VCV002161338.7), dbSNP rs201962457, ClinGen allele CA661120.